The following is an entry in ClinVar:

ClinVar aggregate classification (germline): Uncertain significance (1 of 4 stars; one submission).

gnomAD v4.1: 14 of 1,550,510 alleles (0.0009%); highest among the groups gnomAD compares: Non-Finnish European, 0.0011%; no homozygotes.

Submission:

CeGaT Center for Human Genetics Tuebingen
Classification: Uncertain significance. Last evaluated: 2026-03-01. Review status: criteria provided, single submitter. Criteria: CeGaT Center For Human Genetics Tuebingen Variant Classification Criteria Version 2. Collection method: clinical testing. Allele origin: germline. Affected: yes. Observed: 1 variant allele.
Comment: PTPRQ: PM2, PM3:Supporting

NM_001145026.2(PTPRQ):c.6242G>C (p.Gly2081Ala)

Gene: PTPRQ (protein tyrosine phosphatase receptor type Q; plus strand). Cytogenetic location: 12q21.31.
Variant type: single nucleotide variant.
Coding change: c.6242G>C on transcript NM_001145026.2 (MANE Select); coding-DNA position 6242, G replaced by C.
Protein change: p.Gly2081Ala; replaces glycine 2081 with alanine.
Molecular consequence: missense variant.
Genome position (GRCh38, 1-based): chr12:80,669,056, G>C. VCF-style: chr12-80669056-G-C. GRCh37 (hg19) VCF-style: chr12-81062835-G-C.
Other names: short protein forms G2081A.
Identifiers: ClinVar variation 4822580 (VCV004822580.4).
Genomic context (GRCh38, chr12:80,669,056, plus strand): 5'-TATCCTTCTAGGGTTATTTATGTCCAAATGAATTTATTGCTACTCAAGGTCCACTACCAG[G>C]AACAGTTGGAGATTTTTGGAGAATGGTGTGGGAAACCAGAGCAAAAACATTAGTAATGCT-3'
Protein context (NP_001138498.1, residues 2071-2091): EFIATQGPLP[Gly2081Ala]TVGDFWRMVW